The following is an entry in ClinVar:

NM_198586.3(NHLRC1):c.467C>T (p.Ser156Leu)

Gene: NHLRC1 (NHL repeat containing E3 ubiquitin protein ligase 1; minus strand). Cytogenetic location: 6p22.3.
Variant type: single nucleotide variant.
Coding change: c.467C>T on transcript NM_198586.3 (MANE Select); coding-DNA position 467, C replaced by T.
Protein change: p.Ser156Leu; replaces serine 156 with leucine.
Molecular consequence: missense variant.
Genome position (GRCh38, 1-based): chr6:18,122,140, G>A on the plus strand (C>T on the coding strand, the complement: NHLRC1 is on the minus strand). VCF-style: chr6-18122140-G-A. GRCh37 (hg19) VCF-style: chr6-18122371-G-A.
Other names: short protein forms S156L.
Identifiers: ClinVar variation 392598 (VCV000392598.4), dbSNP rs893389047, ClinGen allele CA16605017.

ClinVar aggregate classification (germline): Uncertain significance (1 of 4 stars; one submission).

Allele frequency attached by ClinVar (database versions not stated): gnomAD exomes below 0.00001.

Submission:

GeneDx
Classification: Uncertain significance. Last evaluated: 2022-06-27. Review status: criteria provided, single submitter. Criteria: GeneDx Variant Classification Process June 2021. Collection method: clinical testing. Allele origin: germline. Affected: yes.
Comment: Not observed at significant frequency in large population cohorts (gnomAD); In silico analysis supports that this missense variant does not alter protein structure/function; Has not been previously published as pathogenic or benign to our knowledge